The following is an entry in ClinVar:

NM_000268.4(NF2):c.522A>G (p.Ile174Met)

Gene: NF2 (NF2, moesin-ezrin-radixin like (MERLIN) tumor suppressor; plus strand). Cytogenetic location: 22q12.2.
Variant type: single nucleotide variant.
Coding change: c.522A>G on transcript NM_000268.4 (MANE Select); coding-DNA position 522, A replaced by G.
Protein change: p.Ile174Met; replaces isoleucine 174 with methionine.
Molecular consequence: missense variant. On other transcripts: non-coding transcript variant (1), intron variant (1).
Genome position (GRCh38, 1-based): chr22:29,655,599, A>G. VCF-style: chr22-29655599-A-G. GRCh37 (hg19) VCF-style: chr22-30051588-A-G.
Other names: c.522A>G, p.Ile174Met (NM_016418.5, NM_181825.3, NM_181832.3); c.396A>G, p.Ile132Met (NM_181828.3); c.399A>G, p.Ile133Met (NM_181829.3); c.273A>G, p.Ile91Met (NM_181830.3, NM_181831.3); c.447+13314A>G (NM_181833.3); short protein forms I91M, I133M, I132M, I174M.
Identifiers: ClinVar variation 1383914 (VCV001383914.6), dbSNP rs2146971946, ClinGen allele CA411142283.

ClinVar aggregate classification (germline): Uncertain significance (1 of 4 stars; one submission).

Conditions:
Neurofibromatosis, type 2 (SWNV). Also called: BILATERAL ACOUSTIC NEUROFIBROMATOSIS; NF2-Related Schwannomatosis; SCHWANNOMATOSIS, VESTIBULAR. Identifiers: Orphanet 637, MedGen C0027832, MONDO:0007039, OMIM 101000. Disease mechanism: loss of function.

Submission:

Labcorp Genetics (formerly Invitae), Labcorp
Classification: Uncertain significance for Neurofibromatosis, type 2. Last evaluated: 2021-09-30. Review status: criteria provided, single submitter. Criteria: Invitae Variant Classification Sherloc (09022015). Collection method: clinical testing. Allele origin: germline.
Comment: In summary, the available evidence is currently insufficient to determine the role of this variant in disease. Therefore, it has been classified as a Variant of Uncertain Significance. Algorithms developed to predict the effect of missense changes on protein structure and function (SIFT, PolyPhen-2, Align-GVGD) all suggest that this variant is likely to be tolerated. This variant has not been reported in the literature in individuals affected with NF2-related conditions. This variant is not present in population databases (ExAC no frequency). This sequence change replaces isoleucine with methionine at codon 174 of the NF2 protein (p.Ile174Met). The isoleucine residue is highly conserved and there is a small physicochemical difference between isoleucine and methionine.